The following is an entry in ClinVar:

NM_000059.4(BRCA2):c.1124C>G (p.Pro375Arg)

Gene: BRCA2 (BRCA2 DNA repair associated; plus strand). Cytogenetic location: 13q13.1.
Variant type: single nucleotide variant.
Coding change: c.1124C>G on transcript NM_000059.4 (MANE Select); coding-DNA position 1124, C replaced by G.
Protein change: p.Pro375Arg; replaces proline 375 with arginine.
Molecular consequence: missense variant.
Genome position (GRCh38, 1-based): chr13:32,332,602, C>G. VCF-style: chr13-32332602-C-G. GRCh37 (hg19) VCF-style: chr13-32906739-C-G.
Other names: short protein forms P375R.
Identifiers: ClinVar variation 818382 (VCV000818382.7), dbSNP rs80358409, ClinGen allele CA387761686.

ClinVar aggregate classification (germline): Conflicting classifications of pathogenicity. Review status: criteria provided, conflicting classifications (1 of 4 stars). 2 submissions from 2 submitters: Uncertain significance (1); Likely benign (1). Last evaluated 2025-05-08.

Conditions:
Hereditary cancer-predisposing syndrome. Also called: Tumor predisposition; Hereditary neoplastic syndrome; Neoplastic Syndromes, Hereditary; Hereditary Cancer Syndrome. Identifiers: Orphanet 140162, MedGen C0027672, MeSH D009386, MONDO:0015356.

Submissions (2):

Ambry Genetics
Classification: Uncertain significance for Hereditary cancer-predisposing syndrome. Last evaluated: 2025-05-08. Review status: criteria provided, single submitter. Criteria: Ambry Variant Classification Scheme 2023. Collection method: clinical testing. Allele origin: germline.
Comment: The p.P375R variant (also known as c.1124C>G), located in coding exon 9 of the BRCA2 gene, results from a C to G substitution at nucleotide position 1124. The proline at codon 375 is replaced by arginine, an amino acid with dissimilar properties. This amino acid position is not well conserved in available vertebrate species. In addition, this alteration is predicted to be tolerated by in silico analysis. Since supporting evidence is limited at this time, the clinical significance of this alteration remains unclear.

University of Washington Department of Laboratory Medicine, University of Washington
Classification: Likely benign for Hereditary cancer-predisposing syndrome. Last evaluated: 2023-03-23. Review status: criteria provided, single submitter. Criteria: Dines et al. (Genet Med. 2020). Collection method: curation. Allele origin: germline.
Comment: Missense variant in a coldspot region where missense variants are very unlikely to be pathogenic (PMID:31911673).

BRCA2 exon 10 coldspot. Reclassification based on statistical prior probability.